The following is an entry in ClinVar:

ClinVar aggregate classification (germline): Likely pathogenic (1 of 4 stars; one submission).

Conditions:
Pseudo-TORCH syndrome 1 (PTORCH1). Identifiers: Orphanet 1229, MedGen C4552078, MONDO:0020789, OMIM 251290.

Submission:

Dubai Health Genomic Medicine Center, Dubai Health
Classification: Likely pathogenic for Pseudo-TORCH syndrome 1. Last evaluated: 2024-10-04. Review status: criteria provided, single submitter. Criteria: ACMG Guidelines, 2015. Collection method: research. Allele origin: germline. Affected: yes.
Comment: PVS1,PM2

NM_001205254.2(OCLN):c.981del (p.Asn328fs)

Gene: OCLN (occludin; plus strand). Cytogenetic location: 5q13.2.
Variant type: Deletion.
Coding change: c.981del on transcript NM_001205254.2 (MANE Select); coding-DNA position 981, one base deleted (C; older notation c.981delC).
Protein change: p.Asn328fs; shifts the reading frame from asparagine 328.
Molecular consequence: frameshift variant.
Genome position (GRCh38, 1-based): chr5:69,534,783, C deleted; the last of 2 consecutive C bases (chr5:69,534,782-69,534,783); deleting either gives the same sequence. VCF-style (leftmost placement, unchanged base first): chr5-69534781-TC-T. GRCh37 (hg19) VCF-style: chr5-68830608-TC-T.
Other names: c.228delC, p.Asn77Metfs (NM_001205255.2); c.819del, p.Asn274fs (NM_001410743.1); c.981del, p.Asn328fs (NM_002538.4); short protein forms N274fs, N328fs, N77fs.
Identifiers: ClinVar variation 3384093 (VCV003384093.1).